The following is an entry in ClinVar:

ClinVar aggregate classification (germline): Likely benign. Review status: criteria provided, single submitter (1 of 4 stars). 2 submissions from 2 submitters: Likely benign (1). 1 of the submissions does not count toward it. Last evaluated 2024-11-09.

Conditions:
ABCA3-related disorder. Also called: ABCA3-related condition.

Allele frequency attached by ClinVar (database versions not stated): gnomAD 0.00001; TOPMed 0.00002; ExAC 0.00003.
gnomAD v4.1: 19 of 1,576,258 alleles (0.0012%); highest among the groups gnomAD compares: Middle Eastern, 0.017%; no homozygotes.

Submissions (2):

Labcorp Genetics (formerly Invitae), Labcorp
Classification: Likely benign. Last evaluated: 2024-11-09. Review status: criteria provided, single submitter. Criteria: Invitae Variant Classification Sherloc (09022015). Collection method: clinical testing. Allele origin: germline.

PreventionGenetics, part of Exact Sciences
Classification: Likely benign for ABCA3-related condition. Last evaluated: 2019-06-14. Review status: no assertion criteria provided. Collection method: clinical testing. Allele origin: germline. Not counted in ClinVar's aggregate classification.
Comment: This variant is classified as likely benign based on ACMG/AMP sequence variant interpretation guidelines (Richards et al. 2015 PMID: 25741868, with internal and published modifications).

NM_001089.3(ABCA3):c.2739G>A (p.Leu913=)

Gene: ABCA3 (ATP binding cassette subfamily A member 3; minus strand). Cytogenetic location: 16p13.3.
Variant type: single nucleotide variant.
Coding change: c.2739G>A on transcript NM_001089.3 (MANE Select); coding-DNA position 2739, G replaced by A.
Protein change: p.Leu913=; no amino-acid change (leucine 913 retained).
Molecular consequence: synonymous variant.
Genome position (GRCh38, 1-based): chr16:2,288,291, C>T on the plus strand (G>A on the coding strand, the complement: ABCA3 is on the minus strand). VCF-style: chr16-2288291-C-T. GRCh37 (hg19) VCF-style: chr16-2338292-C-T.
Other names: c.2739G>A (NM_001089.2).
Identifiers: ClinVar variation 2164680 (VCV002164680.6), dbSNP rs780828723, ClinGen allele CA7840709.